The following is an entry in ClinVar:

ClinVar aggregate classification (germline): Benign. Review status: criteria provided, multiple submitters, no conflicts (2 of 4 stars). 4 submissions from 4 submitters: Benign (4). Last evaluated 2026-01-28.

Conditions:
CACNA1E-related disorder. Also called: CACNA1E-related condition.
Developmental and epileptic encephalopathy, 69. Also called: EPILEPTIC ENCEPHALOPATHY, EARLY INFANTILE, 69. Identifiers: MedGen C4748988, MONDO:0032657, OMIM 618285.

Allele frequency attached by ClinVar (database versions not stated): gnomAD exomes 0.00011 and 0.00034; ExAC 0.00036; 1000 Genomes Project 0.00120; 1000 Genomes Project 30x 0.00125; gnomAD 0.00128 and 0.00138; TOPMed 0.00176; ESP Exome Variant Server 0.00232.
gnomAD v4.1: 374 of 1,606,398 alleles (0.023%); highest among the groups gnomAD compares: African/African-American, 0.41%; no homozygotes.

Submissions (4):

Labcorp Genetics (formerly Invitae), Labcorp
Classification: Benign. Last evaluated: 2026-01-28. Review status: criteria provided, single submitter. Criteria: Invitae Variant Classification Sherloc (09022015). Collection method: clinical testing. Allele origin: germline.

PreventionGenetics, part of Exact Sciences
Classification: Benign for CACNA1E-related condition. Last evaluated: 2024-10-29. Review status: criteria provided, single submitter. Criteria: ACMG Guidelines, 2015. Collection method: clinical testing. Allele origin: germline.
Comment: This variant is classified as benign based on ACMG/AMP sequence variant interpretation guidelines (Richards et al. 2015 PMID: 25741868, with internal and published modifications).

Genome-Nilou Lab
Classification: Benign for Developmental and epileptic encephalopathy, 69. Last evaluated: 2023-04-11. Review status: criteria provided, single submitter. Criteria: ACMG Guidelines, 2015. Collection method: clinical testing. Allele origin: germline. Affected: no.

GeneDx
Classification: Benign. Last evaluated: 2021-04-26. Review status: criteria provided, single submitter. Criteria: GeneDx Variant Classification Process June 2021. Collection method: clinical testing. Allele origin: germline. Affected: yes.

NM_001205293.3(CACNA1E):c.954C>T (p.Thr318=)

Gene: CACNA1E (calcium voltage-gated channel subunit alpha1 E; plus strand). Cytogenetic location: 1q25.3.
Variant type: single nucleotide variant.
Coding change: c.954C>T on transcript NM_001205293.3 (MANE Select); coding-DNA position 954, C replaced by T.
Protein change: p.Thr318=; no amino-acid change (threonine 318 retained).
Molecular consequence: synonymous variant.
Genome position (GRCh38, 1-based): chr1:181,651,340, C>T. VCF-style: chr1-181651340-C-T. GRCh37 (hg19) VCF-style: chr1-181620476-C-T.
Other names: c.954C>T, p.Thr318= (NM_000721.4, NM_001205294.2).
Identifiers: ClinVar variation 1166256 (VCV001166256.13), dbSNP rs147221625, ClinGen allele CA1275004.